The following is an entry in ClinVar:

ClinVar aggregate classification (germline): Uncertain significance (1 of 4 stars; one submission).

Conditions:
Epileptic encephalopathy. Identifiers: MedGen C0543888, HP:0200134.

Submission:

Labcorp Genetics (formerly Invitae), Labcorp
Classification: Uncertain significance for Epileptic encephalopathy. Last evaluated: 2022-03-04. Review status: criteria provided, single submitter. Criteria: Invitae Variant Classification Sherloc (09022015). Collection method: clinical testing. Allele origin: germline.
Comment: This sequence change replaces glycine, which is neutral and non-polar, with serine, which is neutral and polar, at codon 253 of the GABBR2 protein (p.Gly253Ser). This variant is not present in population databases (gnomAD no frequency). This variant has not been reported in the literature in individuals affected with GABBR2-related conditions. Algorithms developed to predict the effect of missense changes on protein structure and function are either unavailable or do not agree on the potential impact of this missense change (SIFT: "Deleterious"; PolyPhen-2: "Possibly Damaging"; Align-GVGD: "Class C0"). In summary, the available evidence is currently insufficient to determine the role of this variant in disease. Therefore, it has been classified as a Variant of Uncertain Significance.

NM_005458.8(GABBR2):c.757G>A (p.Gly253Ser)

Gene: GABBR2 (gamma-aminobutyric acid type B receptor subunit 2; minus strand). Cytogenetic location: 9q22.33.
Variant type: single nucleotide variant.
Coding change: c.757G>A on transcript NM_005458.8 (MANE Select); coding-DNA position 757, G replaced by A.
Protein change: p.Gly253Ser; replaces glycine 253 with serine.
Molecular consequence: missense variant.
Genome position (GRCh38, 1-based): chr9:98,480,973, C>T on the plus strand (G>A on the coding strand, the complement: GABBR2 is on the minus strand). VCF-style: chr9-98480973-C-T. GRCh37 (hg19) VCF-style: chr9-101243255-C-T.
Other names: short protein forms G253S.
Identifiers: ClinVar variation 2100289 (VCV002100289.4), dbSNP rs2491685655, ClinGen allele CA374351798.